The following is an entry in ClinVar:

ClinVar aggregate classification (germline): Conflicting classifications of pathogenicity. Review status: criteria provided, conflicting classifications (1 of 4 stars). 12 submissions from 12 submitters: Uncertain significance (1); Likely benign (7). 4 of the submissions do not count toward it. Last evaluated 2026-01-28.

Conditions:
Early-infantile DEE. Also called: Early infantile epileptic encephalopathy; Early infantile epileptic encephalopathy with suppression bursts; Ohtahara syndrome. Identifiers: Orphanet 1934, MedGen C0393706, MONDO:0800491.
SCN8A-related disorder.
Inborn genetic diseases. Identifiers: MedGen C0950123, MeSH D030342.
Developmental and epileptic encephalopathy, 13 (DEE13). Also called: SCN8A-Related Epilepsy; Early infantile epileptic encephalopathy 13; Developmental and Epileptic Encephalopathy (SCN8A-DEE). Identifiers: Orphanet 442835, MedGen C3281191, MONDO:0013801, OMIM 614558.

Allele frequency attached by ClinVar (database versions not stated): ESP Exome Variant Server 0.00016; gnomAD exomes 0.00050 and 0.00020; ExAC 0.00020; gnomAD 0.00026 and 0.00027; TOPMed 0.00027.
gnomAD v4.1: 753 of 1,613,900 alleles (0.047%); highest among the groups gnomAD compares: Non-Finnish European, 0.061%; no homozygotes.

Submissions (12):

Labcorp Genetics (formerly Invitae), Labcorp
Classification: Likely benign for Early-infantile DEE. Last evaluated: 2026-01-28. Review status: criteria provided, single submitter. Criteria: Invitae Variant Classification Sherloc (09022015). Collection method: clinical testing. Allele origin: germline.

PreventionGenetics, part of Exact Sciences
Classification: Likely benign for SCN8A-related condition. Last evaluated: 2025-04-17. Review status: criteria provided, single submitter. Criteria: ACMG Guidelines, 2015. Collection method: clinical testing. Allele origin: germline.
Comment: This variant is classified as likely benign based on ACMG/AMP sequence variant interpretation guidelines (Richards et al. 2015 PMID: 25741868, with internal and published modifications).

Women's Health and Genetics/Laboratory Corporation of America, LabCorp
Classification: Likely benign. Last evaluated: 2025-03-24. Review status: criteria provided, single submitter. Criteria: LabCorp Variant Classification Summary - May 2015. Collection method: clinical testing. Allele origin: germline.
Comment: Variant summary: SCN8A c.4748T>C (p.Ile1583Thr) results in a non-conservative amino acid change in the encoded protein sequence. Three of five in-silico tools predict a damaging effect of the variant on protein function. The variant allele was found at a frequency of 0.0002 in 249166 control chromosomes, predominantly at a frequency of 0.0004 within the Non-Finnish European subpopulation in the gnomAD database. This frequency is not significantly higher than estimated for a pathogenic variant in SCN8A causing Early Infantile Epileptic Encephalopathy 13, allowing no conclusion about variant significance. c.4748T>C has been reported in the literature in two individuals affected with epilepsy (Brunklaus_2020, Dong_2020), without strong evidence for causality . These report(s) do not provide unequivocal conclusions about association of the variant with Early Infantile Epileptic Encephalopathy 13. To our knowledge, no experimental evidence demonstrating an impact on protein function has been reported. ClinVar contains an entry for this variant (Variation ID: 130248). Based on the evidence outlined above, the variant was classified as likely benign.

Blueprint Genetics
Classification: Likely benign. Last evaluated: 2024-09-03. Review status: criteria provided, single submitter. Criteria: ACMG Guidelines, 2015. Collection method: clinical testing. Allele origin: germline.

CeGaT Center for Human Genetics Tuebingen
Classification: Likely benign. Last evaluated: 2023-08-01. Review status: criteria provided, single submitter. Criteria: CeGaT Center For Human Genetics Tuebingen Variant Classification Criteria Version 2. Collection method: clinical testing. Allele origin: germline. Affected: yes. Observed: 5 variant alleles.
Comment: SCN8A: PP2, BS2

GeneDx
Classification: Likely benign. Last evaluated: 2021-03-19. Review status: criteria provided, single submitter. Criteria: GeneDx Variant Classification Process June 2021. Collection method: clinical testing. Allele origin: germline. Affected: yes.
Comment: The majority of missense variants in this gene are considered pathogenic (Stenson et al., 2014); In silico analysis, which includes protein predictors and evolutionary conservation, supports a deleterious effect; This variant is associated with the following publications: (PMID: 32090326, 26220391, 33083721)

Ambry Genetics
Classification: Likely benign for Inborn genetic diseases. Last evaluated: 2019-02-09. Review status: criteria provided, single submitter. Criteria: Ambry Variant Classification Scheme 2023. Collection method: clinical testing. Allele origin: germline.

Genetic Services Laboratory, University of Chicago
Classification: Uncertain significance. Last evaluated: 2014-01-02. Review status: criteria provided, single submitter. Criteria: ACMG Guidelines, 2007. Collection method: clinical testing. Allele origin: germline. Inheritance: Autosomal dominant inheritance.

Diagnostic Laboratory, Department of Genetics, University Medical Center Groningen
Classification: Likely benign. Review status: no assertion criteria provided. Collection method: clinical testing. Allele origin: germline. Affected: yes. Study: VKGL Data-share Consensus. Not counted in ClinVar's aggregate classification.

GeneReviews
No classification provided. Condition: Developmental and epileptic encephalopathy, 13. Review status: no classification provided. Collection method: literature only. Allele origin: germline. Affected: yes. Not counted in ClinVar's aggregate classification.

Genome Diagnostics Laboratory, University Medical Center Utrecht
Classification: Likely benign. Review status: no assertion criteria provided. Collection method: clinical testing. Allele origin: germline. Affected: yes. Study: VKGL Data-share Consensus. Not counted in ClinVar's aggregate classification.

Joint Genome Diagnostic Labs from Nijmegen and Maastricht, Radboudumc and MUMC+
Classification: Likely benign. Review status: no assertion criteria provided. Collection method: clinical testing. Allele origin: germline. Affected: yes. Study: VKGL Data-share Consensus. Not counted in ClinVar's aggregate classification.

Literature cited by the submitters: PubMed 32090326 (cited by Women's Health and Genetics/Laboratory Corporation of America, LabCorp); PubMed 33083721 (cited by Women's Health and Genetics/Laboratory Corporation of America, LabCorp); PubMed 26220391 (cited by Ambry Genetics and GeneReviews); NCBI Bookshelf NBK379665 (cited by GeneReviews).

NM_001330260.2(SCN8A):c.4748T>C (p.Ile1583Thr)

Gene: SCN8A (sodium voltage-gated channel alpha subunit 8; plus strand). Cytogenetic location: 12q13.13.
Variant type: single nucleotide variant.
Coding change: c.4748T>C on transcript NM_001330260.2 (MANE Select); coding-DNA position 4748, T replaced by C.
Protein change: p.Ile1583Thr; replaces isoleucine 1583 with threonine.
Molecular consequence: missense variant.
Genome position (GRCh38, 1-based): chr12:51,794,594, T>C. VCF-style: chr12-51794594-T-C. GRCh37 (hg19) VCF-style: chr12-52188378-T-C.
Other names: c.4625T>C, p.Ile1542Thr (NM_001177984.3, NM_001369788.1); c.4748T>C, p.Ile1583Thr (NM_014191.4); short protein forms I1583T, I1542T.
Identifiers: ClinVar variation 130248 (VCV000130248.69), dbSNP rs201458257, ClinGen allele CA231495.